The following is an entry in ClinVar:

ClinVar aggregate classification (germline): Uncertain significance (1 of 4 stars; one submission).

Submission:

GeneDx
Classification: Uncertain significance. Last evaluated: 2019-10-19. Review status: criteria provided, single submitter. Criteria: GeneDx Variant Classification Process June 2021. Collection method: clinical testing. Allele origin: germline. Affected: yes.
Comment: Not observed in large population cohorts (Lek et al., 2016); In silico analysis, which includes protein predictors and evolutionary conservation, supports a deleterious effect; Has not been previously published as pathogenic or benign to our knowledge

NM_000834.5(GRIN2B):c.914C>T (p.Ser305Phe)

Gene: GRIN2B (glutamate ionotropic receptor NMDA type subunit 2B; minus strand). Cytogenetic location: 12p13.1.
Variant type: single nucleotide variant.
Coding change: c.914C>T on transcript NM_000834.5 (MANE Select); coding-DNA position 914, C replaced by T.
Protein change: p.Ser305Phe; replaces serine 305 with phenylalanine.
Molecular consequence: missense variant.
Genome position (GRCh38, 1-based): chr12:13,753,413, G>A on the plus strand (C>T on the coding strand, the complement: GRIN2B is on the minus strand). VCF-style: chr12-13753413-G-A. GRCh37 (hg19) VCF-style: chr12-13906347-G-A.
Other names: short protein forms S305F.
Identifiers: ClinVar variation 1309504 (VCV001309504.2), dbSNP rs2136628926, ClinGen allele CA384053164.